The following is an entry in ClinVar:

NM_005619.5(RTN2):c.1216C>T (p.Arg406Trp)

Genes: OPA3-RTN2 (OPA3-RTN2 readthrough; minus strand), RTN2 (reticulon 2; minus strand). Cytogenetic location: 19q13.32.
Variant type: single nucleotide variant.
Coding change: c.1216C>T on transcript NM_005619.5 (MANE Select); coding-DNA position 1216, C replaced by T.
Protein change: p.Arg406Trp; replaces arginine 406 with tryptophan.
Molecular consequence: missense variant.
Genome position (GRCh38, 1-based): chr19:45,489,371, G>A on the plus strand (C>T on the coding strand, the complement: RTN2 is on the minus strand). VCF-style: chr19-45489371-G-A. GRCh37 (hg19) VCF-style: chr19-45992629-G-A.
Other names: c.997C>T, p.Arg333Trp (NM_206900.3); c.196C>T, p.Arg66Trp (NM_206901.3); c.1216C>T (NM_005619.3); short protein forms R406W, R333W, R66W.
Identifiers: ClinVar variation 458236 (VCV000458236.11), dbSNP rs977755323, ClinGen allele CA308950200.

ClinVar aggregate classification (germline): Uncertain significance. Review status: criteria provided, multiple submitters, no conflicts (2 of 4 stars). 3 submissions from 3 submitters: Uncertain significance (3). Last evaluated 2025-03-18.

Conditions:
Spastic paraplegia. Identifiers: MedGen C0037772, HP:0001258.
RTN2-related disorder. Also called: RTN2-related condition.
Inborn genetic diseases. Identifiers: MedGen C0950123, MeSH D030342.

Allele frequency attached by ClinVar (database versions not stated): TOPMed 0.00001.
gnomAD v4.1: 11 of 1,576,094 alleles (0.0007%); highest among the groups gnomAD compares: South Asian, 0.0058%; no homozygotes.

Submissions (3):

Ambry Genetics
Classification: Uncertain significance for Inborn genetic diseases. Last evaluated: 2025-03-18. Review status: criteria provided, single submitter. Criteria: Ambry Variant Classification Scheme 2023. Collection method: clinical testing. Allele origin: germline.

PreventionGenetics, part of Exact Sciences
Classification: Uncertain significance for RTN2-related condition. Last evaluated: 2025-02-18. Review status: criteria provided, single submitter. Criteria: ACMG Guidelines, 2015. Collection method: clinical testing. Allele origin: germline.
Comment: The RTN2 c.1216C>T variant is predicted to result in the amino acid substitution p.Arg406Trp. To our knowledge, this variant has not been reported in the literature. This variant is reported in 0.0% of alleles in individuals of African descent in gnomAD. At this time, the clinical significance of this variant is uncertain due to the absence of conclusive functional and genetic evidence.

Labcorp Genetics (formerly Invitae), Labcorp
Classification: Uncertain significance for Spastic paraplegia. Last evaluated: 2023-11-24. Review status: criteria provided, single submitter. Criteria: Invitae Variant Classification Sherloc (09022015). Collection method: clinical testing. Allele origin: germline.
Comment: This sequence change replaces arginine, which is basic and polar, with tryptophan, which is neutral and slightly polar, at codon 406 of the RTN2 protein (p.Arg406Trp). This variant is not present in population databases (gnomAD no frequency). This variant has not been reported in the literature in individuals affected with RTN2-related conditions. ClinVar contains an entry for this variant (Variation ID: 458236). An algorithm developed to predict the effect of missense changes on protein structure and function (PolyPhen-2) suggests that this variant is likely to be tolerated. In summary, the available evidence is currently insufficient to determine the role of this variant in disease. Therefore, it has been classified as a Variant of Uncertain Significance.